The following is an entry in ClinVar:

NM_000350.3(ABCA4):c.1390_1391del (p.Leu464fs)

Gene: ABCA4 (ATP binding cassette subfamily A member 4; minus strand). Cytogenetic location: 1p22.1.
Variant type: Deletion.
Coding change: c.1390_1391del on transcript NM_000350.3 (MANE Select); coding-DNA positions 1390 to 1391, 2 bases deleted (TT; older notation c.1390_1391delTT).
Protein change: p.Leu464fs; shifts the reading frame from leucine 464.
Molecular consequence: frameshift variant.
Genome position (GRCh38, 1-based): chr1:94,077,853-94,077,854, AA deleted on the plus strand (TT on the coding strand, the reverse complement: ABCA4 is on the minus strand); deleting any 2 consecutive bases within chr1:94,077,853-94,077,857 gives the same sequence; the c. name uses the placement nearest the transcript's 3' end. VCF-style (leftmost placement, unchanged base first): chr1-94077852-CAA-C. GRCh37 (hg19) VCF-style: chr1-94543408-CAA-C.
Other names: c.1387_1388delTT, p.Leu464Glufs (NM_001425324.1); short protein forms L464fs.
Identifiers: ClinVar variation 99051 (VCV000099051.5), dbSNP rs61748555, ClinGen allele CA226891.

ClinVar aggregate classification (germline): Pathogenic. Review status: criteria provided, single submitter (1 of 4 stars). 2 submissions from 2 submitters: Pathogenic (1). 1 of the submissions does not count toward it. Last evaluated 2023-12-07.

Submissions (2):

Labcorp Genetics (formerly Invitae), Labcorp
Classification: Pathogenic. Last evaluated: 2023-12-07. Review status: criteria provided, single submitter. Criteria: Invitae Variant Classification Sherloc (09022015). Collection method: clinical testing. Allele origin: germline.
Comment: This sequence change creates a premature translational stop signal (p.Leu464Glufs*2) in the ABCA4 gene. It is expected to result in an absent or disrupted protein product. Loss-of-function variants in ABCA4 are known to be pathogenic (PMID: 10958761, 24938718, 25312043, 26780318). This variant is not present in population databases (gnomAD no frequency). This premature translational stop signal has been observed in individual(s) with Stargardt disease (PMID: 11702214). This variant is also known as 1387delTT. ClinVar contains an entry for this variant (Variation ID: 99051). For these reasons, this variant has been classified as Pathogenic.

Retina International
No classification provided. Review status: no classification provided. Collection method: not provided. Allele origin: not provided. Not counted in ClinVar's aggregate classification.

Literature cited by the submitters: PubMed 10958761 (cited by Labcorp Genetics (formerly Invitae), Labcorp); PubMed 24938718 (cited by Labcorp Genetics (formerly Invitae), Labcorp); PubMed 25312043 (cited by Labcorp Genetics (formerly Invitae), Labcorp); PubMed 26780318 (cited by Labcorp Genetics (formerly Invitae), Labcorp); PubMed 11702214 (cited by Labcorp Genetics (formerly Invitae), Labcorp).